The following is an entry in ClinVar:

NM_000199.5(SGSH):c.65C>T (p.Pro22Leu)

Gene: SGSH (N-sulfoglucosamine sulfohydrolase; minus strand). Cytogenetic location: 17q25.3.
Variant type: single nucleotide variant.
Coding change: c.65C>T on transcript NM_000199.5 (MANE Select); coding-DNA position 65, C replaced by T.
Protein change: p.Pro22Leu; replaces proline 22 with leucine.
Molecular consequence: missense variant. On other transcripts: non-coding transcript variant (1).
Genome position (GRCh38, 1-based): chr17:80,220,249, G>A on the plus strand (C>T on the coding strand, the complement: SGSH is on the minus strand). VCF-style: chr17-80220249-G-A. GRCh37 (hg19) VCF-style: chr17-78194048-G-A.
Other names: c.65C>T, p.Pro22Leu (NM_001352921.3, NM_001352922.2); short protein forms P22L.
Identifiers: ClinVar variation 1473306 (VCV001473306.6), dbSNP rs1212600929, ClinGen allele CA401365493.
Genomic context (GRCh38, chr17:80,220,249, plus strand): 5'-CCGCAGGTGGGCGTGGGGGGGCGGCGCCGGCACTCACCGAGGAGCAGCAGTGCGTTCCGG[G>A]GACGCGCCCGGCAGAGCCCCAGGACTAGCAGCAGCGCGCAGCAGGCGGGCACGGGGCAGC-3'
Protein context (NP_000190.1, residues 12-32): LLVLGLCRAR[Pro22Leu]RNALLLLADD

ClinVar aggregate classification (germline): Uncertain significance (1 of 4 stars; one submission).

Conditions:
Mucopolysaccharidosis, MPS-III-A (MPS3A). Also called: HEPARAN SULFATE SULFATASE DEFICIENCY; SANFILIPPO SYNDROME A; SULFAMIDASE DEFICIENCY; MPS III A; MPS IIIA (Sanfilippo Syndrome Type A); Mucopolysaccharidosis type IIIA (Sanfilippo A). Identifiers: Orphanet 581, Orphanet 79269, MedGen C0086647, MONDO:0009655, OMIM 252900.

Allele frequency attached by ClinVar (database versions not stated): gnomAD exomes 0.00002.
gnomAD v4.1: 3 of 1,523,604 alleles (0.0002%); highest among the groups gnomAD compares: Admixed American, 0.004%; no homozygotes.

Submission:

Labcorp Genetics (formerly Invitae), Labcorp
Classification: Uncertain significance for Mucopolysaccharidosis, MPS-III-A. Last evaluated: 2025-07-07. Review status: criteria provided, single submitter. Criteria: Invitae Variant Classification Sherloc (09022015). Collection method: clinical testing. Allele origin: germline.
Comment: This sequence change replaces proline, which is neutral and non-polar, with leucine, which is neutral and non-polar, at codon 22 of the SGSH protein (p.Pro22Leu). The frequency data for this variant in the population databases is considered unreliable, as metrics indicate poor data quality at this position in the gnomAD database. This variant has not been reported in the literature in individuals affected with SGSH-related conditions. ClinVar contains an entry for this variant (Variation ID: 1473306). Invitae Evidence Modeling of protein sequence and biophysical properties (such as structural, functional, and spatial information, amino acid conservation, physicochemical variation, residue mobility, and thermodynamic stability) indicates that this missense variant is not expected to disrupt SGSH protein function with a negative predictive value of 80%. In summary, the available evidence is currently insufficient to determine the role of this variant in disease. Therefore, it has been classified as a Variant of Uncertain Significance.